The following is an entry in ClinVar:

ClinVar aggregate classification (germline): Pathogenic/Likely pathogenic. Review status: criteria provided, multiple submitters, no conflicts (2 of 4 stars). 15 submissions from 15 submitters: Pathogenic (10); Likely pathogenic (2). 3 of the submissions do not count toward it. Last evaluated 2026-05-07.

Conditions:
Alport syndrome 3b, autosomal recessive. Identifiers: MedGen C5882699, MONDO:0957811, OMIM 620536.
Hematuria, benign familial, 2 (BFH2). Identifiers: MedGen C5830421, MONDO:0958186, OMIM 620320.
Autosomal dominant Alport syndrome (ATS3A). Also called: Alport syndrome dominant type; Renal failure and sensorineural hearing loss; ALPORT SYNDROME 3A, AUTOSOMAL DOMINANT. Identifiers: Orphanet 63, Orphanet 88918, MedGen C5882663, MONDO:0007086, OMIM 104200.
Hematuria, benign familial, 1 (BFH1). Also called: THIN MEMBRANE NEPHROPATHY. Identifiers: MedGen CN376803, MONDO:0007709, OMIM 141200.
COL4A3-related disorder. Also called: COL4A3-related condition; COL4A3-Related Disorders.
Alport syndrome. Also called: Hemorrhagic familial nephritis; Hemorrhagic hereditary nephritis; Congenital hereditary hematuria. Identifiers: Orphanet 63, MedGen C1567741, MONDO:0018965.
Autosomal recessive Alport syndrome (ATS2). Also called: Alport syndrome type 2; COL4A3-Related Nephropathy; ALPORT SYNDROME 2, AUTOSOMAL RECESSIVE; COL4A4 Alport Syndrome and Thin Basement Membrane Nephropathy. Identifiers: Orphanet 63, Orphanet 88919, MedGen C4746745, MONDO:0008762, OMIM 203780.

Allele frequency attached by ClinVar (database versions not stated): gnomAD 0.00001; gnomAD exomes 0.00001; TOPMed 0.00001.
gnomAD v4.1: 14 of 1,613,458 alleles (0.00087%); highest among the groups gnomAD compares: Admixed American, 0.0033%; no homozygotes.

Submissions 1 to 8 of 15:

PreventionGenetics, part of Exact Sciences
Classification: Pathogenic for COL4A3-related condition. Last evaluated: 2026-05-07. Review status: criteria provided, single submitter. Criteria: ACMG Guidelines, 2015. Collection method: clinical testing. Allele origin: germline.
Comment: The COL4A3 c.3499G>A variant is predicted to result in the amino acid substitution p.Gly1167Arg. This variant occurs at the conserved triple helical domain (residues 43-1438) of the COL4A3 protein, where substitutions of the glycine (Gly) residue are usually pathogenic (Hudson et al. 1993. PubMed ID: 8253711). This variant has been reported in the heterozygous state in individuals with Alport syndrome spectrum disorders (see for example, Heidet et al. 2001. PubMed ID: 11134255; Kamiyoshi et al. 2016. PubMed ID: 27281700; Table S7, Groopman et al. 2019. PubMed ID: 30586318; Table S5, Rim et al. 2021. PubMed ID: 34519870; Zhang et al. 2020. PubMed ID: 32703181). This variant is reported in 0.0046% of alleles in individuals of European (Finnish) descent in gnomAD. This variant is interpreted as pathogenic for both autosomal dominant and recessive COL4A3-related Alport syndrome spectrum disorders.

Myriad Genetics, Inc.
Classification: Pathogenic for Alport syndrome. Last evaluated: 2026-01-08. Review status: criteria provided, single submitter. Criteria: Myriad Autosomal Dominant, Autosomal Recessive and X-Linked Classification Criteria (2023). Collection method: clinical testing. Allele origin: unknown.
Comment: NM_000091.4(COL4A3):c.3499G>A(G1167R) is a missense variant classified as pathogenic in the context of Alport syndrome, COL4A3-related. G1167R has been observed in cases with relevant disease (PMID: 11134255, 28542346, 14582039, 27281700). Relevant functional assessments of this variant are not available in the literature. G1167R has been observed in referenced population frequency databases. In summary, NM_000091.4(COL4A3):c.3499G>A(G1167R) is a missense variant that has been observed more frequently in cases with the relevant disease than in healthy populations. Please note: this variant was assessed in the context of healthy population screening.

Labcorp Genetics (formerly Invitae), Labcorp
Classification: Pathogenic. Last evaluated: 2025-12-20. Review status: criteria provided, single submitter. Criteria: Invitae Variant Classification Sherloc (09022015). Collection method: clinical testing. Allele origin: germline.
Comment: This sequence change replaces glycine, which is neutral and non-polar, with arginine, which is basic and polar, at codon 1167 of the COL4A3 protein (p.Gly1167Arg). This variant is present in population databases (rs267606745, gnomAD 0.004%). This missense change has been observed in individuals with Alport syndrome or familial hematuria (PMID: 11134255, 14582039, 27281700, 28542346; internal data). ClinVar contains an entry for this variant (Variation ID: 17492). Invitae Evidence Modeling of protein sequence and biophysical properties (such as structural, functional, and spatial information, amino acid conservation, physicochemical variation, residue mobility, and thermodynamic stability) indicates that this missense variant is expected to disrupt COL4A3 protein function with a positive predictive value of 80%. For these reasons, this variant has been classified as Pathogenic.

3billion
Classification: Pathogenic for Alport syndrome 3b, autosomal recessive. Last evaluated: 2025-10-08. Review status: criteria provided, single submitter. Criteria: ACMG Guidelines, 2015. Collection method: clinical testing. Allele origin: germline. Affected: yes.
Comment: The variant is observed at an extremely low frequency in the gnomAD v4.1.0 dataset (total allele frequency: <0.001%). Predicted Consequence/Location: Missense variant In silico tool predictions suggest damaging effect of the variant on gene or gene product [REVEL: 0.99 (>=0.6, sensitivity 0.68 and specificity 0.92)]. The same nucleotide change resulting in the same amino acid change has been previously reported as pathogenic/likely pathogenic with strong evidence (ClinVar ID: VCV000017492 /PMID: 11134255). The variant has been observed in multiple (>3) similarly affected unrelated individuals (PMID: 14582039, 27281700, 28542346, 36685964). The variant has been reported to be in trans with a pathogenic variant as either compound heterozygous or homozygous in at least one similarly affected unrelated individual (PMID: 36685964). A different missense change at the same codon (p.Gly1167Glu) has been reported to be associated with COL4A3-related disorder (ClinVar ID: VCV001185593 /PMID: 34997062). Therefore, this variant is classified as Pathogenic according to the recommendation of ACMG/AMP guideline.

Natera, Inc.
Classification: Pathogenic for Alport syndrome. Last evaluated: 2025-09-11. Review status: criteria provided, single submitter. Criteria: Natera Variant Classification Schema (03/2026). Collection method: clinical testing. Allele origin: germline.
Comment: The c.3499G>A variant in COL4A3 is a missense variant predicted to cause substitution of glycine to arginine at amino acid 1167. This variant is rare in the general population with a frequency below the threshold expected for the associated phenotype(s). This variant has been observed in one or more individuals affected with the associated recessive disease, as either homozygous or compound heterozygous with a second variant (PMID: 38972501). This variant has been observed in affected individual(s) with monoallelic occurrence (heterozygous/hemizygous) (PMID: 32703181, 30586318). This variant is located in a functionally critical region of the protein. Computational prediction algorithms indicate this variant is likely to affect gene or protein function. Given the available evidence, this variant is classified as Pathogenic.

Genetics Department, Catlab
Classification: Pathogenic for Autosomal dominant Alport syndrome. Last evaluated: 2025-08-06. Review status: criteria provided, single submitter. Criteria: ACMG Guidelines, 2015. Collection method: clinical testing. Allele origin: germline. Affected: yes. Observed: 1 variant allele.
Comment: The c.3499G>A variant is a missense change previously found in several independent patients with autosomal dominant Alport syndrome (PMID: 27281700, 28542346, 32703181) (PS4_moderate). This change is located in a collagen domain [Gly-X-Y] (PM1_moderate) and another missense variant at the same position [NM_000091.5:c.3500G>A p.(Gly1167Glu)] has been classified as pathogenic (PM5_moderate). Moreover, the REVEL prediction tool gives a score of 0.994 (PP3_strong) and is rare in gnomAD v4.1 (AF= 0.000008677) (PM2_moderate). With all the available evidence, the variant is classified as pathogenic.

MVZ Medizinische Genetik Mainz
Classification: Pathogenic for Autosomal dominant Alport syndrome. Last evaluated: 2024-11-12. Review status: criteria provided, single submitter. Criteria: UK Practice Guidelines For Variant Classification V4 01 2020. Collection method: clinical testing. Allele origin: germline. Inheritance: Autosomal dominant inheritance. Affected: yes. Observed: 1 variant allele.
Comment: ACMG Criteria: PS4,PM1_STR,PS1_MOD,PP1_MOD,PM2_SUP,PP3,PP4

Victorian Clinical Genetics Services, Murdoch Childrens Research Institute
Classification: Pathogenic for Alport syndrome. Last evaluated: 2024-10-09. Review status: criteria provided, single submitter. Criteria: ACMG Guidelines, 2015. Collection method: clinical testing. Allele origin: germline. Affected: yes.
Comment: Based on the classification scheme VCGS_Germline_v1.3.5, this variant is classified as Pathogenic. Following criteria are met: 0103 - Dominant negative and loss of function are known mechanisms of disease in this gene and are associated with Alport syndrome, MONDO:0018965, COL4A3-related. Glycine changes that are part of a G-X-Y repeat in the triple helix of a collagen domain are known to have a dominant negative effect (PMID: 12028435). (I) 0108 - This gene is associated with both recessive and dominant disease, Alport syndrome 3B (MIM#620536) and Alport syndrome 3A (MIM#104200), respectively (OMIM). (I) 0200 - Variant is predicted to result in a missense amino acid change from glycine to arginine. (I) 0254 - This variant is suspected mosaic. (I) 0304 - Variant is present in gnomAD <0.01 (v4: 14 heterozygotes, 0 homozygotes). (SP) 0501 - Missense variant consistently predicted to be damaging by multiple in silico tools or highly conserved with a major amino acid change. (SP) 0601 - Variant is located in the well-established functional Gly-X-Y motif in the collagen triple helical domain (DECIPHER). (SP) 0801 - This variant has strong previous evidence of pathogenicity in unrelated individuals. This variant has been reported in multiple families/individuals with Alport syndrome, with autosomal dominant and recessive inheritance having been described (ClinVar, LOVD, PMIDs: 11134255, 32703181, 28542346, 27281700, 14582039). (SP) 1208 - Inheritance information for this variant is not currently available in this individual. (I) Legend: (SP) - Supporting pathogenic, (I) - Information, (SB) - Supporting benign

NM_000091.5(COL4A3):c.3499G>A (p.Gly1167Arg)

Genes: COL4A3 (collagen type IV alpha 3 chain; plus strand), MFF-DT (MFF divergent transcript; minus strand). Cytogenetic location: 2q36.3.
Variant type: single nucleotide variant.
Coding change: c.3499G>A on transcript NM_000091.5 (MANE Select); coding-DNA position 3499, G replaced by A.
Protein change: p.Gly1167Arg; replaces glycine 1167 with arginine.
Molecular consequence: missense variant.
Genome position (GRCh38, 1-based): chr2:227,295,044, G>A. VCF-style: chr2-227295044-G-A. GRCh37 (hg19) VCF-style: chr2-228159760-G-A.
Other names: short protein forms G1167R.
Identifiers: ClinVar variation 17492 (VCV000017492.26), dbSNP rs267606745, ClinGen allele CA257973.